The following is an entry in ClinVar:

NM_007294.4(BRCA1):c.3131T>C (p.Ile1044Thr)

Gene: BRCA1 (BRCA1 DNA repair associated; minus strand). Cytogenetic location: 17q21.31.
Variant type: single nucleotide variant.
Coding change: c.3131T>C on transcript NM_007294.4 (MANE Select); coding-DNA position 3131, T replaced by C.
Protein change: p.Ile1044Thr; replaces isoleucine 1044 with threonine.
Molecular consequence: missense variant. On other transcripts: intron variant (137).
Genome position (GRCh38, 1-based): chr17:43,092,400, A>G on the plus strand (T>C on the coding strand, the complement: BRCA1 is on the minus strand). VCF-style: chr17-43092400-A-G. GRCh37 (hg19) VCF-style: chr17-41244417-A-G.
Other names: c.788-1368T>C (NM_001407977.1, NM_001407982.1, NM_001407970.1 and 17 more transcripts); c.647-1368T>C (NM_001408410.1, NM_001408458.1, NM_001408469.1 and 11 more transcripts); c.710-1368T>C (NM_001408415.1, NM_001408412.1, NM_001408409.1 and 2 more transcripts); c.578-1368T>C (NM_001408483.1, NM_001408481.1, NM_001408480.1 and 9 more transcripts); c.665-1368T>C (NM_001408442.1, NM_001408426.1, NM_001408436.1 and 12 more transcripts); c.2918T>C, p.Ile973Thr (NM_001407571.1, NM_001407853.1, NM_001407894.1 and 9 more transcripts); c.3131T>C, p.Ile1044Thr (NM_001407581.1, NM_001407582.1, NM_001407583.1 and 30 more transcripts); c.3128T>C, p.Ile1043Thr (NM_001407587.1, NM_001407590.1, NM_001407591.1 and 22 more transcripts); and 41 more; short protein forms I1044T, I997T, I1002T, I1018T, I932T, I933T, I956T, I973T.
Identifiers: ClinVar variation 1024907 (VCV001024907.12), dbSNP rs2053637993, ClinGen allele CA10595722.

ClinVar aggregate classification (germline): Conflicting classifications of pathogenicity. Review status: criteria provided, conflicting classifications (1 of 4 stars). 2 submissions from 2 submitters: Uncertain significance (1); Likely benign (1). Last evaluated 2023-03-23.

Conditions:
Hereditary cancer-predisposing syndrome. Also called: Hereditary Cancer Syndrome; Neoplastic Syndromes, Hereditary; Tumor predisposition; Hereditary neoplastic syndrome. Identifiers: Orphanet 140162, MedGen C0027672, MeSH D009386, MONDO:0015356.
Hereditary breast ovarian cancer syndrome. Also called: Breast and ovarian cancer; Hereditary breast and ovarian cancer syndrome (HBOC); Hereditary breast and ovarian cancer; Hereditary breast and/or ovarian cancer syndrome; BRCA1- and BRCA2-Associated Hereditary Breast and Ovarian Cancer; Hereditary breast and ovarian cancer syndrome. Identifiers: Orphanet 145, MedGen C0677776, MeSH D061325, MONDO:0003582. Disease mechanism: loss of function.

Submissions (2):

University of Washington Department of Laboratory Medicine, University of Washington
Classification: Likely benign for Hereditary cancer-predisposing syndrome. Last evaluated: 2023-03-23. Review status: criteria provided, single submitter. Criteria: Dines et al. (Genet Med. 2020). Collection method: curation. Allele origin: germline.
Comment: Missense variant in a coldspot region where missense variants are very unlikely to be pathogenic (PMID:31911673).

BRCA1 coldspot (exon 11 using historical exon numbering). Reclassification based on statistical prior probability

Labcorp Genetics (formerly Invitae), Labcorp
Classification: Uncertain significance for Hereditary breast ovarian cancer syndrome. Last evaluated: 2020-06-02. Review status: criteria provided, single submitter. Criteria: Invitae Variant Classification Sherloc (09022015). Collection method: clinical testing. Allele origin: germline.
Comment: In summary, the available evidence is currently insufficient to determine the role of this variant in disease. Therefore, it has been classified as a Variant of Uncertain Significance. Algorithms developed to predict the effect of missense changes on protein structure and function output the following: SIFT: "Tolerated"; PolyPhen-2: "Benign"; Align-GVGD: "Class C0". The threonine amino acid residue is found in multiple mammalian species, suggesting that this missense change does not adversely affect protein function. These predictions have not been confirmed by published functional studies and their clinical significance is uncertain. This variant has not been reported in the literature in individuals with BRCA1-related conditions. This variant is not present in population databases (ExAC no frequency). This sequence change replaces isoleucine with threonine at codon 1044 of the BRCA1 protein (p.Ile1044Thr). The isoleucine residue is weakly conserved and there is a moderate physicochemical difference between isoleucine and threonine.